The following is an entry in ClinVar:

NM_001042472.3(ABHD12):c.158C>T (p.Ala53Val)

Genes: ABHD12 (abhydrolase domain containing 12, lysophospholipase; minus strand), LOC130065586 (ATAC-STARR-seq lymphoblastoid silent region 12752; plus strand). Cytogenetic location: 20p11.21.
Variant type: single nucleotide variant.
Coding change: c.158C>T on transcript NM_001042472.3 (MANE Select); coding-DNA position 158, C replaced by T.
Protein change: p.Ala53Val; replaces alanine 53 with valine.
Molecular consequence: missense variant.
Genome position (GRCh38, 1-based): chr20:25,390,546, G>A on the plus strand (C>T on the coding strand, the complement: ABHD12 is on the minus strand). VCF-style: chr20-25390546-G-A. GRCh37 (hg19) VCF-style: chr20-25371182-G-A.
Other names: c.158C>T, p.Ala53Val (NM_015600.5); short protein forms A53V.
Identifiers: ClinVar variation 2420924 (VCV002420924.7), dbSNP rs753426106, ClinGen allele CA9796312.

ClinVar aggregate classification (germline): Uncertain significance (1 of 4 stars; one submission).

Allele frequency attached by ClinVar (database versions not stated): gnomAD exomes below 0.00001.
gnomAD v4.1: 6 of 1,462,672 alleles (0.00041%); highest among the groups gnomAD compares: South Asian, 0.0013%; no homozygotes.

Submission:

Labcorp Genetics (formerly Invitae), Labcorp
Classification: Uncertain significance. Last evaluated: 2025-02-17. Review status: criteria provided, single submitter. Criteria: Invitae Variant Classification Sherloc (09022015). Collection method: clinical testing. Allele origin: germline.
Comment: This sequence change replaces alanine, which is neutral and non-polar, with valine, which is neutral and non-polar, at codon 53 of the ABHD12 protein (p.Ala53Val). This variant is not present in population databases (gnomAD no frequency). This variant has not been reported in the literature in individuals affected with ABHD12-related conditions. ClinVar contains an entry for this variant (Variation ID: 2420924). An algorithm developed to predict the effect of missense changes on protein structure and function (PolyPhen-2) suggests that this variant is likely to be tolerated. In summary, the available evidence is currently insufficient to determine the role of this variant in disease. Therefore, it has been classified as a Variant of Uncertain Significance.